The following is an entry in ClinVar:

ClinVar aggregate classification (germline): Benign (1 of 4 stars; one submission).

Allele frequency attached by ClinVar (database versions not stated): 1000 Genomes Project 30x 0.00187; TOPMed 0.00298; gnomAD 0.00524; gnomAD exomes 0.00601.
gnomAD v4.1: 4,099 of 693,620 alleles (0.59%); highest among the groups gnomAD compares: South Asian, 1%; 18 homozygotes.

Submission:

CeGaT Center for Human Genetics Tuebingen
Classification: Benign. Last evaluated: 2023-10-01. Review status: criteria provided, single submitter. Criteria: CeGaT Center For Human Genetics Tuebingen Variant Classification Criteria Version 2. Collection method: clinical testing. Allele origin: germline. Affected: yes. Observed: 3 variant alleles.
Comment: NBPF10: BP4, BS1, BS2

NM_001302371.3(NBPF10):c.11176C>T (p.Arg3726Cys)

Gene: NBPF10 (NBPF member 10; minus strand). Cytogenetic location: 1q21.1.
Variant type: single nucleotide variant.
Coding change: c.11176C>T on transcript NM_001302371.3 (MANE Select); coding-DNA position 11176, C replaced by T.
Protein change: p.Arg3726Cys; replaces arginine 3726 with cysteine.
Molecular consequence: missense variant.
Genome position (GRCh38, 1-based): chr1:146,066,530, G>A on the plus strand (C>T on the coding strand, the complement: NBPF10 is on the minus strand). VCF-style: chr1-146066530-G-A. GRCh37 (hg19) VCF-style: chr1-145368472-C-T.
Other names: c.10669C>T, p.Arg3557Cys (NM_001039703.6); short protein forms R3557C, R3726C.
Identifiers: ClinVar variation 2639106 (VCV002639106.24), dbSNP rs201192694, ClinGen allele CA1053415.